The following is an entry in ClinVar:

ClinVar aggregate classification (germline): Benign (1 of 4 stars; one submission).

Allele frequency attached by ClinVar (database versions not stated): 1000 Genomes Project 30x 0.11056; 1000 Genomes Project 0.11581; TOPMed 0.12593; gnomAD 0.13569 and 0.13645.
gnomAD v4.1: 20,632 of 152,204 alleles (14%); highest among the groups gnomAD compares: Non-Finnish European, 17%; 1,475 homozygotes.

Submission:

GeneDx
Classification: Benign. Last evaluated: 2018-06-14. Review status: criteria provided, single submitter. Criteria: GeneDx Variant Classification (06012015). Collection method: clinical testing. Allele origin: germline. Affected: yes.
Comment: This variant is considered likely benign or benign based on one or more of the following criteria: it is a conservative change, it occurs at a poorly conserved position in the protein, it is predicted to be benign by multiple in silico algorithms, and/or has population frequency not consistent with disease.

NM_001256545.2(MEGF10):c.3026-252T>G

Gene: MEGF10 (multiple EGF like domains 10; plus strand). Cytogenetic location: 5q23.2.
Variant type: single nucleotide variant.
Coding change: c.3026-252T>G on transcript NM_001256545.2 (MANE Select); 252 bases into the intron before coding-DNA position 3026, T replaced by G.
Molecular consequence: intron variant.
Genome position (GRCh38, 1-based): chr5:127,455,149, T>G. VCF-style: chr5-127455149-T-G. GRCh37 (hg19) VCF-style: chr5-126790841-T-G.
Other names: c.3026-252T>G (NM_032446.3).
Identifiers: ClinVar variation 671513 (VCV000671513.1), dbSNP rs72790443, ClinGen allele CA12144623.